The following is an entry in ClinVar:

ClinVar aggregate classification (germline): Benign. Review status: criteria provided, single submitter (1 of 4 stars). 2 submissions from 2 submitters: Benign (1). 1 of the submissions does not count toward it. Last evaluated 2025-12-09.

Conditions:
KMT2E-related disorder. Also called: KMT2E-related condition.

Allele frequency attached by ClinVar (database versions not stated): ExAC 0.00158; 1000 Genomes Project 30x 0.00375; 1000 Genomes Project 0.00379.
gnomAD v4.1: 852 of 1,614,074 alleles (0.053%); highest among the groups gnomAD compares: East Asian, 1.7%; 10 homozygotes.

Submissions (2):

Labcorp Genetics (formerly Invitae), Labcorp
Classification: Benign. Last evaluated: 2025-12-09. Review status: criteria provided, single submitter. Criteria: Invitae Variant Classification Sherloc (09022015). Collection method: clinical testing. Allele origin: germline.

PreventionGenetics, part of Exact Sciences
Classification: Benign for KMT2E-related condition. Last evaluated: 2023-11-21. Review status: no assertion criteria provided. Collection method: clinical testing. Allele origin: germline. Not counted in ClinVar's aggregate classification.
Comment: This variant is classified as benign based on ACMG/AMP sequence variant interpretation guidelines (Richards et al. 2015 PMID: 25741868, with internal and published modifications).

NM_182931.3(KMT2E):c.5239C>G (p.Pro1747Ala)

Gene: KMT2E (lysine methyltransferase 2E (inactive); plus strand). Cytogenetic location: 7q22.3.
Variant type: single nucleotide variant.
Coding change: c.5239C>G on transcript NM_182931.3 (MANE Select); coding-DNA position 5239, C replaced by G.
Protein change: p.Pro1747Ala; replaces proline 1747 with alanine.
Molecular consequence: missense variant.
Genome position (GRCh38, 1-based): chr7:105,112,995, C>G. VCF-style: chr7-105112995-C-G. GRCh37 (hg19) VCF-style: chr7-104753442-C-G.
Other names: c.5113C>G, p.Pro1705Ala (NM_001410908.1); c.5239C>G, p.Pro1747Ala (NM_018682.4); c.5239C>G (NM_182931.2); short protein forms P1705A, P1747A.
Identifiers: ClinVar variation 2049045 (VCV002049045.6), dbSNP rs117789844, ClinGen allele CA4424946.
Genomic context (GRCh38, chr7:105,112,995, plus strand): 5'-TTGGCTTCTGGGCATCATACCACATCAGCTCAAGCCTTACACCACCCACCTCATCAAGGA[C>G]CTCCACTTTTTCCTTCGAGTGCTCATCCAACTGTACCACCGTATCCCTCACAAGCTACAC-3'
Protein context (NP_891847.1, residues 1737-1757): QALHHPPHQG[Pro1747Ala]PLFPSSAHPT